The following is an entry in ClinVar:

NM_000090.4(COL3A1):c.1924-175G>C

Gene: COL3A1 (collagen type III alpha 1 chain; plus strand). Cytogenetic location: 2q32.2.
Variant type: single nucleotide variant.
Coding change: c.1924-175G>C on transcript NM_000090.4 (MANE Select); 175 bases into the intron before coding-DNA position 1924, G replaced by C.
Molecular consequence: intron variant.
Genome position (GRCh38, 1-based): chr2:188,998,091, G>C. VCF-style: chr2-188998091-G-C. GRCh37 (hg19) VCF-style: chr2-189862817-G-C.
Identifiers: ClinVar variation 676611 (VCV000676611.2), dbSNP rs73981463, ClinGen allele CA62599377.

ClinVar aggregate classification (germline): Likely benign. Review status: criteria provided, multiple submitters, no conflicts (2 of 4 stars). 2 submissions from 2 submitters: Likely benign (2). Last evaluated 2018-06-14.

Allele frequency attached by ClinVar (database versions not stated): gnomAD 0.01098 and 0.01152; TOPMed 0.01241; 1000 Genomes Project 0.01358; 1000 Genomes Project 30x 0.01390.
gnomAD v4.1: 1,650 of 152,310 alleles (1.1%); highest among the groups gnomAD compares: African/African-American, 3.8%; 36 homozygotes.

Submissions (2):

GeneDx
Classification: Likely benign. Last evaluated: 2018-06-14. Review status: criteria provided, single submitter. Criteria: GeneDx Variant Classification (06012015). Collection method: clinical testing. Allele origin: germline. Affected: yes.
Comment: This variant is considered likely benign or benign based on one or more of the following criteria: it is a conservative change, it occurs at a poorly conserved position in the protein, it is predicted to be benign by multiple in silico algorithms, and/or has population frequency not consistent with disease.

Breakthrough Genomics
Classification: Likely benign. Review status: criteria provided, single submitter. Criteria: ACMG Guidelines, 2015. Collection method: not provided. Allele origin: germline. Inheritance: Autosomal recessive inheritance. Affected: yes.